The following is an entry in ClinVar:

ClinVar aggregate classification (germline): Likely pathogenic (1 of 4 stars; one submission).

Conditions:
CFTR-related disorder (CFTR-RD). Also called: CFTR-related disorders; CFTR-related condition. Identifiers: MedGen C5924204, MONDO:7770004.

Submission:

Natera, Inc.
Classification: Likely pathogenic for CFTR-related disorders. Last evaluated: 2025-06-25. Review status: criteria provided, single submitter. Criteria: Natera Variant Classification Schema (03/2026). Collection method: clinical testing. Allele origin: germline.
Comment: The c.962_968del variant in CFTR is a frameshift variant predicted to shift the reading frame beginning at codon 321 and leads to a stop codon 5 codons downstream. This variant is expected to result in nonsense mediated decay, truncation, or a dysfunctional protein product. This variant is rare in the general population with a frequency below the threshold expected for the associated phenotype(s). Given the available evidence, this variant is classified as Likely Pathogenic.

NM_000492.4(CFTR):c.962_968del (p.Ser321fs)

Gene: CFTR (CF transmembrane conductance regulator; plus strand). Cytogenetic location: 7q31.2.
Variant type: Deletion.
Coding change: c.962_968del on transcript NM_000492.4 (MANE Select); coding-DNA positions 962 to 968, 7 bases deleted (CTGTGCT; older notation c.962_968delCTGTGCT).
Protein change: p.Ser321fs; shifts the reading frame from serine 321.
Molecular consequence: frameshift variant.
Genome position (GRCh38, 1-based): chr7:117,540,192-117,540,198, CTGTGCT deleted; deleting any 7 consecutive bases within chr7:117,540,191-117,540,198 gives the same sequence; the c. name uses the placement nearest the transcript's 3' end. VCF-style (leftmost placement, unchanged base first): chr7-117540190-ATCTGTGC-A. GRCh37 (hg19) VCF-style: chr7-117180244-ATCTGTGC-A.
Other names: c.962_968delCTGTGCT, p.Ser321Phefs (NM_000492.3); short protein forms S321fs.
Identifiers: ClinVar variation 4818579 (VCV004818579.1).
Genomic context (GRCh38, chr7:117,540,190, plus strand): 5'-CTATGTGAGATACTTCAATAGCTCAGCCTTCTTCTTCTCAGGGTTCTTTGTGGTGTTTTT[ATCTGTGC>A]TTCCCTATGCACTAATCAAAGGAATCATCCTCCGGAAAATATTCACCACCATCTCATTCT-3'